The following is an entry in ClinVar:

ClinVar aggregate classification (germline): Uncertain significance (1 of 4 stars; one submission).

Conditions:
Inborn genetic diseases. Identifiers: MedGen C0950123, MeSH D030342.

gnomAD v4.1: 1 of 1,614,110 alleles (0.000062%); highest among the groups gnomAD compares: African/African-American, 0.0013%; no homozygotes.

Submission:

Ambry Genetics
Classification: Uncertain significance for Inborn genetic diseases. Last evaluated: 2025-03-15. Review status: criteria provided, single submitter. Criteria: Ambry Variant Classification Scheme 2023. Collection method: clinical testing. Allele origin: germline.
Comment: The p.R457L variant (also known as c.1370G>T), located in coding exon 6 of the SH2B3 gene, results from a G to T substitution at nucleotide position 1370. The arginine at codon 457 is replaced by leucine, an amino acid with dissimilar properties. This amino acid position is conserved. In addition, this alteration is predicted to be tolerated by in silico analysis. Based on the available evidence, the clinical significance of this variant remains unclear.

NM_005475.3(SH2B3):c.1370G>T (p.Arg457Leu)

Gene: SH2B3 (SH2B adaptor protein 3; plus strand). Cytogenetic location: 12q24.12.
Variant type: single nucleotide variant.
Coding change: c.1370G>T on transcript NM_005475.3 (MANE Select); coding-DNA position 1370, G replaced by T.
Protein change: p.Arg457Leu; replaces arginine 457 with leucine.
Molecular consequence: missense variant.
Genome position (GRCh38, 1-based): chr12:111,447,789, G>T. VCF-style: chr12-111447789-G-T. GRCh37 (hg19) VCF-style: chr12-111885593-G-T.
Other names: c.764G>T, p.Arg255Leu (NM_001291424.1); short protein forms R255L, R457L.
Identifiers: ClinVar variation 3953355 (VCV003953355.1).